The following is an entry in ClinVar:

ClinVar aggregate classification (germline): Uncertain significance (1 of 4 stars; one submission).

Conditions:
Charcot-Marie-Tooth disease type 4. Also called: Charcot-Marie-Tooth disease, type IV; Charcot-Marie-Tooth, Type 4. Identifiers: Orphanet 64749, MedGen C4082197, MONDO:0018995.

Allele frequency attached by ClinVar (database versions not stated): gnomAD exomes 0.00001.
gnomAD v4.1: 11 of 1,614,246 alleles (0.00068%); highest among the groups gnomAD compares: Non-Finnish European, 0.00093%; no homozygotes.

Submission:

Labcorp Genetics (formerly Invitae), Labcorp
Classification: Uncertain significance for Charcot-Marie-Tooth disease type 4. Last evaluated: 2019-09-19. Review status: criteria provided, single submitter. Criteria: Invitae Variant Classification Sherloc (09022015). Collection method: clinical testing. Allele origin: germline.
Comment: This variant is not present in population databases (ExAC no frequency). In summary, the available evidence is currently insufficient to determine the role of this variant in disease. Therefore, it has been classified as a Variant of Uncertain Significance. Algorithms developed to predict the effect of missense changes on protein structure and function are either unavailable or do not agree on the potential impact of this missense change (SIFT: "Deleterious"; PolyPhen-2: "Possibly Damaging"; Align-GVGD: "Class C0"). This variant has not been reported in the literature in individuals with SBF2-related conditions. This sequence change replaces leucine with arginine at codon 1374 of the SBF2 protein (p.Leu1374Arg). The leucine residue is highly conserved and there is a moderate physicochemical difference between leucine and arginine.

NM_030962.4(SBF2):c.4121T>G (p.Leu1374Arg)

Gene: SBF2 (SET binding factor 2; minus strand). Cytogenetic location: 11p15.4.
Variant type: single nucleotide variant.
Coding change: c.4121T>G on transcript NM_030962.4 (MANE Select); coding-DNA position 4121, T replaced by G.
Protein change: p.Leu1374Arg; replaces leucine 1374 with arginine.
Molecular consequence: missense variant.
Genome position (GRCh38, 1-based): chr11:9,812,566, A>C on the plus strand (T>G on the coding strand, the complement: SBF2 is on the minus strand). VCF-style: chr11-9812566-A-C. GRCh37 (hg19) VCF-style: chr11-9834113-A-C.
Other names: c.4217T>G, p.Leu1406Arg (NM_001386339.1); c.3992T>G, p.Leu1331Arg (NM_001386342.1); short protein forms L1374R, L1331R, L1406R.
Identifiers: ClinVar variation 941177 (VCV000941177.10), dbSNP rs1854248122, ClinGen allele CA379643006.